The following is an entry in ClinVar:

NM_182914.3(SYNE2):c.20595_20612del (p.Leu6866_Leu6871del)

Gene: SYNE2 (spectrin repeat containing nuclear envelope protein 2; plus strand). Cytogenetic location: 14q23.2.
Variant type: Deletion.
Coding change: c.20595_20612del on transcript NM_182914.3 (MANE Select); coding-DNA positions 20595 to 20612, 18 bases deleted (CCTGCTGCTGCTGCTCCT).
Protein change: p.Leu6866_Leu6871del.
Molecular consequence: inframe deletion.
Genome position (GRCh38, 1-based): chr14:64,225,397-64,225,414, CCTGCTGCTGCTGCTCCT deleted; deleting any 18 consecutive bases within chr14:64,225,388-64,225,414 gives the same sequence; the c. name uses the placement nearest the transcript's 3' end. VCF-style (leftmost placement, unchanged base first): chr14-64225387-AGCTGCTCCTCCTGCTGCT-A. GRCh37 (hg19) VCF-style: chr14-64692105-AGCTGCTCCTCCTGCTGCT-A.
Other names: c.20529_20546del, p.Leu6844_Leu6849del (NM_015180.6); c.1161_1178del, p.Leu388_Leu393del (NM_182910.2); c.1542_1559del, p.Leu515_Leu520del (NM_182913.4).
Identifiers: ClinVar variation 862032 (VCV000862032.9), dbSNP rs750984033, ClinGen allele CA7224961.

ClinVar aggregate classification (germline): Uncertain significance (1 of 4 stars; one submission).

Conditions:
Emery-Dreifuss muscular dystrophy 5, autosomal dominant (EDMD5). Also called: EMERY-DREIFUSS MUSCULAR DYSTROPHY 5. Identifiers: Orphanet 261, MedGen C2751805, MONDO:0013072, OMIM 612999.

Submission:

Labcorp Genetics (formerly Invitae), Labcorp
Classification: Uncertain significance for Emery-Dreifuss muscular dystrophy 5, autosomal dominant. Last evaluated: 2019-11-25. Review status: criteria provided, single submitter. Criteria: Invitae Variant Classification Sherloc (09022015). Collection method: clinical testing. Allele origin: germline.
Comment: In summary, the available evidence is currently insufficient to determine the role of this variant in disease. Therefore, it has been classified as a Variant of Uncertain Significance. Experimental studies and prediction algorithms are not available or were not evaluated, and the functional significance of this variant is currently unknown. This variant has not been reported in the literature in individuals with SYNE2-related conditions. The frequency data for this variant in the population databases is considered unreliable, as metrics indicate poor data quality at this position in the ExAC database. This variant, c.20595_20612del, results in the deletion of 6 amino acid(s) of the SYNE2 protein (p.Leu6866_Leu6871del), but otherwise preserves the integrity of the reading frame.